The following is an entry in ClinVar:

ClinVar aggregate classification (germline): Benign. Review status: criteria provided, multiple submitters, no conflicts (2 of 4 stars). 4 submissions from 3 submitters: Benign (4). Last evaluated 2022-12-28.

Conditions:
Acrokeratosis verruciformis of Hopf (AKV). Also called: Acrokeratosis verruciformis; HOPF DISEASE. Identifiers: Orphanet 79151, MedGen C0265971, MONDO:0007048, OMIM 101900.
Keratosis follicularis (DAR). Also called: Darier disease; Darier's disease. Identifiers: Orphanet 218, MedGen C0022595, MONDO:0007417, OMIM 124200.

Allele frequency attached by ClinVar (database versions not stated): gnomAD exomes 0.00005; 1000 Genomes Project 30x 0.00016; 1000 Genomes Project 0.00020; ESP Exome Variant Server 0.00054; TOPMed 0.00061; gnomAD 0.00064.
gnomAD v4.1: 181 of 1,614,246 alleles (0.011%); highest among the groups gnomAD compares: African/African-American, 0.23%; no homozygotes.

Submissions (4):

Labcorp Genetics (formerly Invitae), Labcorp
Classification: Benign. Last evaluated: 2022-12-28. Review status: criteria provided, single submitter. Criteria: Invitae Variant Classification Sherloc (09022015). Collection method: clinical testing. Allele origin: germline.

Genome-Nilou Lab
Classification: Benign for Acrokeratosis verruciformis of Hopf. Last evaluated: 2021-12-05. Review status: criteria provided, single submitter. Criteria: ACMG Guidelines, 2015. Collection method: clinical testing. Allele origin: germline. Affected: no.

Genome-Nilou Lab
Classification: Benign for Keratosis follicularis. Last evaluated: 2021-12-05. Review status: criteria provided, single submitter. Criteria: ACMG Guidelines, 2015. Collection method: clinical testing. Allele origin: germline. Affected: no.

Illumina Laboratory Services, Illumina
Classification: Benign for Keratosis follicularis. Last evaluated: 2018-01-13. Review status: criteria provided, single submitter. Criteria: ICSL Variant Classification Criteria 13 December 2019. Collection method: clinical testing. Allele origin: germline.
Comment: This variant was observed in the ICSL laboratory as part of a predisposition screen in an ostensibly healthy population. It had not been previously curated by ICSL or reported in the Human Gene Mutation Database (HGMD: prior to June 1st, 2018), and was therefore a candidate for classification through an automated scoring system. Utilizing variant allele frequency, disease prevalence and penetrance estimates, and inheritance mode, an automated score was calculated to assess if this variant is too frequent to cause the disease. Based on the score and internal cut-off values, a variant classified as benign is not then subjected to further curation. The score for this variant resulted in a classification of benign for this disease.

NM_170665.4(ATP2A2):c.2202G>A (p.Leu734=)

Gene: ATP2A2 (ATPase sarcoplasmic/endoplasmic reticulum Ca2+ transporting 2; plus strand). Cytogenetic location: 12q24.11.
Variant type: single nucleotide variant.
Coding change: c.2202G>A on transcript NM_170665.4 (MANE Select); coding-DNA position 2202, G replaced by A.
Protein change: p.Leu734=; no amino-acid change (leucine 734 retained).
Molecular consequence: synonymous variant.
Genome position (GRCh38, 1-based): chr12:110,342,332, G>A. VCF-style: chr12-110342332-G-A. GRCh37 (hg19) VCF-style: chr12-110780137-G-A.
Other names: c.2202G>A, p.Leu734= (NM_001681.4).
Identifiers: ClinVar variation 776751 (VCV000776751.11), dbSNP rs12312588, ClinGen allele CA6784063.